The following is an entry in ClinVar:

NC_000007.13:g.(?_148504738)_(148544390_?)del

Gene: EZH2 (enhancer of zeste 2 polycomb repressive complex 2 subunit; minus strand). Cytogenetic location: 7q36.1.
Variant type: Deletion.
Identifiers: ClinVar variation 2425121 (VCV002425121.4).

ClinVar aggregate classification (germline): Uncertain significance (1 of 4 stars; one submission).

Conditions:
Weaver syndrome (WVS). Also called: Weaver Smith syndrome; Overgrowth syndrome with accelerated skeletal maturation, unusual facies, and camptodactyly. Identifiers: Orphanet 3447, MedGen C0265210, MONDO:0010193, OMIM 277590.

Submission:

Labcorp Genetics (formerly Invitae), Labcorp
Classification: Uncertain significance for Weaver syndrome. Last evaluated: 2021-10-25. Review status: criteria provided, single submitter. Criteria: Invitae Variant Classification Sherloc (09022015). Collection method: clinical testing. Allele origin: germline.
Comment: A gross deletion of the genomic region encompassing the full coding sequence of the EZH2 gene has been identified. The current clinical and genetic evidence is not sufficient to establish whether loss-of-function variants in EZH2 cause disease. The boundaries of this event are unknown as they extend beyond the assayed region for this gene and therefore may encompass additional genes. This variant has not been reported in the literature in individuals affected with EZH2-related conditions. In summary, the available evidence is currently insufficient to determine the role of this variant in disease. Therefore, it has been classified as a Variant of Uncertain Significance.